The following is an entry in ClinVar:

NM_014679.5(CEP57):c.589A>G (p.Asn197Asp)

Gene: CEP57 (centrosomal protein 57; plus strand). Cytogenetic location: 11q21.
Variant type: single nucleotide variant.
Coding change: c.589A>G on transcript NM_014679.5 (MANE Select); coding-DNA position 589, A replaced by G.
Protein change: p.Asn197Asp; replaces asparagine 197 with aspartic acid.
Molecular consequence: missense variant.
Genome position (GRCh38, 1-based): chr11:95,817,871, A>G. VCF-style: chr11-95817871-A-G. GRCh37 (hg19) VCF-style: chr11-95551035-A-G.
Other names: c.562A>G, p.Asn188Asp (NM_001243776.2); c.589A>G, p.Asn197Asp (NM_001243777.2); c.508A>G, p.Asn170Asp (NM_001363604.2); c.589A>G (NM_014679.4); short protein forms N170D, N188D, N197D.
Identifiers: ClinVar variation 3717965 (VCV003717965.3).

ClinVar aggregate classification (germline): Uncertain significance. Review status: criteria provided, multiple submitters, no conflicts (2 of 4 stars). 2 submissions from 2 submitters: Uncertain significance (2). Last evaluated 2025-11-03.

Conditions:
Inborn genetic diseases. Identifiers: MedGen C0950123, MeSH D030342.
Mosaic variegated aneuploidy syndrome 2 (MVA2). Identifiers: Orphanet 1052, MedGen C3279843, MONDO:0013582, OMIM 614114.

gnomAD v4.1: 3 of 1,613,632 alleles (0.00019%); highest among the groups gnomAD compares: East Asian, 0.0067%; no homozygotes.

Submissions (2):

Labcorp Genetics (formerly Invitae), Labcorp
Classification: Uncertain significance for Mosaic variegated aneuploidy syndrome 2. Last evaluated: 2025-11-03. Review status: criteria provided, single submitter. Criteria: Invitae Variant Classification Sherloc (09022015). Collection method: clinical testing. Allele origin: germline.
Comment: This sequence change replaces asparagine, which is neutral and polar, with aspartic acid, which is acidic and polar, at codon 197 of the CEP57 protein (p.Asn197Asp). This variant is present in population databases (rs755887377, gnomAD 0.02%). This variant has not been reported in the literature in individuals affected with CEP57-related conditions. ClinVar contains an entry for this variant (Variation ID: 3717965). Invitae Evidence Modeling of protein sequence and biophysical properties (such as structural, functional, and spatial information, amino acid conservation, physicochemical variation, residue mobility, and thermodynamic stability) indicates that this missense variant is not expected to disrupt CEP57 protein function with a negative predictive value of 80%. In summary, the available evidence is currently insufficient to determine the role of this variant in disease. Therefore, it has been classified as a Variant of Uncertain Significance.

Ambry Genetics
Classification: Uncertain significance for Inborn genetic diseases. Last evaluated: 2025-02-03. Review status: criteria provided, single submitter. Criteria: Ambry Variant Classification Scheme 2023. Collection method: clinical testing. Allele origin: germline.
Comment: The p.N197D variant (also known as c.589A>G), located in coding exon 5 of the CEP57 gene, results from an A to G substitution at nucleotide position 589. The asparagine at codon 197 is replaced by aspartic acid, an amino acid with highly similar properties. This amino acid position is conserved. In addition, this alteration is predicted to be tolerated by in silico analysis. Based on the available evidence, the clinical significance of this variant remains unclear.